The following is an entry in ClinVar:

NM_000400.4(ERCC2):c.1085C>T (p.Ala362Val)

Gene: ERCC2 (ERCC excision repair 2, TFIIH core complex helicase subunit; minus strand). Cytogenetic location: 19q13.32.
Variant type: single nucleotide variant.
Coding change: c.1085C>T on transcript NM_000400.4 (MANE Select); coding-DNA position 1085, C replaced by T.
Protein change: p.Ala362Val; replaces alanine 362 with valine.
Molecular consequence: missense variant.
Genome position (GRCh38, 1-based): chr19:45,363,776, G>A on the plus strand (C>T on the coding strand, the complement: ERCC2 is on the minus strand). VCF-style: chr19-45363776-G-A. GRCh37 (hg19) VCF-style: chr19-45867034-G-A.
Other names: c.1013C>T, p.Ala338Val (NM_001130867.2); short protein forms A338V, A362V.
Identifiers: ClinVar variation 1421644 (VCV001421644.4), dbSNP rs1355603581, ClinGen allele CA406372179.
Genomic context (GRCh38, chr19:45,363,776, plus strand): 5'-CACCCCGCGCGCTGTCTGGGGCCGCACCTGAGGGGCTTGCGCTGGATGCACACGCGCTGG[G>A]CCAGGCCGCTCAGGAAGGCGGGCGGGCTCTCCTGCACCACATGCTGCACACGCAGCCGCC-3'
Protein context (NP_000391.1, residues 352-372): ESPPAFLSGL[Ala362Val]QRVCIQRKPL

ClinVar aggregate classification (germline): Uncertain significance. Review status: criteria provided, multiple submitters, no conflicts (2 of 4 stars). 2 submissions from 2 submitters: Uncertain significance (2). Last evaluated 2022-08-31.

Allele frequency attached by ClinVar (database versions not stated): gnomAD 0.00001; gnomAD exomes 0.00001; TOPMed 0.00002.

Submissions (2):

Labcorp Genetics (formerly Invitae), Labcorp
Classification: Uncertain significance. Last evaluated: 2022-08-31. Review status: criteria provided, single submitter. Criteria: Invitae Variant Classification Sherloc (09022015). Collection method: clinical testing. Allele origin: germline.
Comment: This sequence change replaces alanine, which is neutral and non-polar, with valine, which is neutral and non-polar, at codon 362 of the ERCC2 protein (p.Ala362Val). The frequency data for this variant in the population databases is considered unreliable, as metrics indicate poor data quality at this position in the gnomAD database. This variant has not been reported in the literature in individuals affected with ERCC2-related conditions. ClinVar contains an entry for this variant (Variation ID: 1421644). Algorithms developed to predict the effect of missense changes on protein structure and function (SIFT, PolyPhen-2, Align-GVGD) all suggest that this variant is likely to be tolerated. In summary, the available evidence is currently insufficient to determine the role of this variant in disease. Therefore, it has been classified as a Variant of Uncertain Significance.

Blueprint Genetics
Classification: Uncertain significance. Last evaluated: 2017-06-05. Review status: criteria provided, single submitter. Criteria: ACMG Guidelines, 2015. Collection method: clinical testing. Allele origin: germline.